The following is an entry in ClinVar:

NM_021020.5(LZTS1):c.407C>T (p.Ala136Val)

Gene: LZTS1 (leucine zipper tumor suppressor 1; minus strand). Cytogenetic location: 8p21.3.
Variant type: single nucleotide variant.
Coding change: c.407C>T on transcript NM_021020.5 (MANE Select); coding-DNA position 407, C replaced by T.
Protein change: p.Ala136Val; replaces alanine 136 with valine.
Molecular consequence: missense variant.
Genome position (GRCh38, 1-based): chr8:20,253,524, G>A on the plus strand (C>T on the coding strand, the complement: LZTS1 is on the minus strand). VCF-style: chr8-20253524-G-A. GRCh37 (hg19) VCF-style: chr8-20111035-G-A.
Other names: c.407C>T, p.Ala136Val (NM_001362884.2); short protein forms A136V.
Identifiers: ClinVar variation 3012729 (VCV003012729.3), dbSNP rs145228542, ClinGen allele CA4657523.

ClinVar aggregate classification (germline): Uncertain significance (1 of 4 stars; one submission).

Allele frequency attached by ClinVar (database versions not stated): TOPMed below 0.00001; gnomAD 0.00001; gnomAD exomes 0.00001; ExAC 0.00006; ESP Exome Variant Server 0.00008.
gnomAD v4.1: 11 of 1,541,000 alleles (0.00071%); highest among the groups gnomAD compares: South Asian, 0.011%; no homozygotes.

Submission:

Labcorp Genetics (formerly Invitae), Labcorp
Classification: Uncertain significance. Last evaluated: 2023-07-13. Review status: criteria provided, single submitter. Criteria: Invitae Variant Classification Sherloc (09022015). Collection method: clinical testing. Allele origin: germline.
Comment: This sequence change replaces alanine, which is neutral and non-polar, with valine, which is neutral and non-polar, at codon 136 of the LZTS1 protein (p.Ala136Val). This variant is present in population databases (rs145228542, gnomAD 0.02%). This variant has not been reported in the literature in individuals affected with LZTS1-related conditions. Advanced modeling of protein sequence and biophysical properties (such as structural, functional, and spatial information, amino acid conservation, physicochemical variation, residue mobility, and thermodynamic stability) performed at Invitae indicates that this missense variant is not expected to disrupt LZTS1 protein function. In summary, the available evidence is currently insufficient to determine the role of this variant in disease. Therefore, it has been classified as a Variant of Uncertain Significance.